The following is an entry in ClinVar:

ClinVar aggregate classification (germline): Likely pathogenic (1 of 4 stars; one submission).

gnomAD v4.1: 2 of 1,614,176 alleles (0.00012%); highest among the groups gnomAD compares: Admixed American, 0.0017%; no homozygotes.

Submission:

Labcorp Genetics (formerly Invitae), Labcorp
Classification: Likely pathogenic. Last evaluated: 2024-11-11. Review status: criteria provided, single submitter. Criteria: Invitae Variant Classification Sherloc (09022015). Collection method: clinical testing. Allele origin: germline.
Comment: This sequence change affects a donor splice site in intron 5 of the MYO5B gene. It is expected to disrupt RNA splicing. Variants that disrupt the donor or acceptor splice site typically lead to a loss of protein function (PMID: 16199547), and loss-of-function variants in MYO5B are known to be pathogenic (PMID: 18724368, 20186687). This variant is present in population databases (no rsID available, gnomAD 0.0009%). This variant has not been reported in the literature in individuals affected with MYO5B-related conditions. Algorithms developed to predict the effect of sequence changes on RNA splicing suggest that this variant may disrupt the consensus splice site. In summary, the currently available evidence indicates that the variant is pathogenic, but additional data are needed to prove that conclusively. Therefore, this variant has been classified as Likely Pathogenic.

Literature cited by the submitters: PubMed 16199547; PubMed 18724368; PubMed 20186687.

NM_001080467.3(MYO5B):c.612+1G>T

Gene: MYO5B (myosin VB; minus strand). Cytogenetic location: 18q21.1.
Variant type: single nucleotide variant.
Coding change: c.612+1G>T on transcript NM_001080467.3 (MANE Select); the canonical splice donor site of the intron after coding-DNA position 612, G replaced by T.
Molecular consequence: splice donor variant.
Genome position (GRCh38, 1-based): chr18:50,001,254, C>A on the plus strand (G>T on the coding strand, the complement: MYO5B is on the minus strand). VCF-style: chr18-50001254-C-A. GRCh37 (hg19) VCF-style: chr18-47527624-C-A.
Identifiers: ClinVar variation 3686833 (VCV003686833.2).